The following is an entry in ClinVar:

ClinVar aggregate classification (germline): Conflicting classifications of pathogenicity. Review status: criteria provided, conflicting classifications (1 of 4 stars). 4 submissions from 4 submitters: Uncertain significance (1); Benign (1); Likely benign (1). 1 of the submissions does not count toward it. Last evaluated 2026-01-12.

Conditions:
TONSL-related disorder. Also called: TONSL-related condition.
Inborn genetic diseases. Identifiers: MedGen C0950123, MeSH D030342.

Allele frequency attached by ClinVar (database versions not stated): gnomAD exomes 0.00003 and 0.00015; gnomAD 0.00013 and 0.00014; TOPMed 0.00015; 1000 Genomes Project 30x 0.00016; ExAC 0.00016; 1000 Genomes Project 0.00020.
gnomAD v4.1: 207 of 1,611,932 alleles (0.013%); highest among the groups gnomAD compares: East Asian, 0.11%; 7 homozygotes.

Submissions (4):

Labcorp Genetics (formerly Invitae), Labcorp
Classification: Benign. Last evaluated: 2026-01-12. Review status: criteria provided, single submitter. Criteria: Invitae Variant Classification Sherloc (09022015). Collection method: clinical testing. Allele origin: germline.

Blueprint Genetics
Classification: Likely benign. Last evaluated: 2024-11-06. Review status: criteria provided, single submitter. Criteria: ACMG Guidelines, 2015. Collection method: clinical testing. Allele origin: germline.

Ambry Genetics
Classification: Uncertain significance for Inborn genetic diseases. Last evaluated: 2021-06-22. Review status: criteria provided, single submitter. Criteria: Ambry Variant Classification Scheme 2023. Collection method: clinical testing. Allele origin: germline.

PreventionGenetics, part of Exact Sciences
Classification: Likely benign for TONSL-related condition. Last evaluated: 2023-07-22. Review status: no assertion criteria provided. Collection method: clinical testing. Allele origin: germline. Not counted in ClinVar's aggregate classification.
Comment: This variant is classified as likely benign based on ACMG/AMP sequence variant interpretation guidelines (Richards et al. 2015 PMID: 25741868, with internal and published modifications).

NM_013432.5(TONSL):c.3914C>T (p.Pro1305Leu)

Gene: TONSL (tonsoku like, DNA repair protein; minus strand). Cytogenetic location: 8q24.3.
Variant type: single nucleotide variant.
Coding change: c.3914C>T on transcript NM_013432.5 (MANE Select); coding-DNA position 3914, C replaced by T.
Protein change: p.Pro1305Leu; replaces proline 1305 with leucine.
Molecular consequence: missense variant.
Genome position (GRCh38, 1-based): chr8:144,430,433, G>A on the plus strand (C>T on the coding strand, the complement: TONSL is on the minus strand). VCF-style: chr8-144430433-G-A. GRCh37 (hg19) VCF-style: chr8-145655816-G-A.
Other names: c.3914C>T (NM_013432.4); short protein forms P1305L.
Identifiers: ClinVar variation 1568521 (VCV001568521.12), dbSNP rs370820880, ClinGen allele CA4942339.
Genomic context (GRCh38, chr8:144,430,433, plus strand): 5'-TGGCAGGCGTGGCCACCATACCAGCACTCACCTGACAGGCCAAGGAAGCTAAGGCCTTGG[G>A]GCCGCTTTTGGAGGGTGGACAGGAGCTCTTCCAAGCTGGCACAGCTGATCTCAGGGTTGG-3'
Protein context (NP_038460.4, residues 1295-1315): EELLSTLQKR[Pro1305Leu]QGLSFLGLSG